The following is an entry in ClinVar:

ClinVar aggregate classification (germline): Uncertain significance (1 of 4 stars; one submission).

Submission:

Labcorp Genetics (formerly Invitae), Labcorp
Classification: Uncertain significance. Last evaluated: 2024-04-29. Review status: criteria provided, single submitter. Criteria: Invitae Variant Classification Sherloc (09022015). Collection method: clinical testing. Allele origin: germline.
Comment: This sequence change replaces glutamine, which is neutral and polar, with glutamic acid, which is acidic and polar, at codon 163 of the SLC12A1 protein (p.Gln163Glu). This variant is not present in population databases (gnomAD no frequency). This variant has not been reported in the literature in individuals affected with SLC12A1-related conditions. ClinVar contains an entry for this variant (Variation ID: 2007186). Advanced modeling of protein sequence and biophysical properties (such as structural, functional, and spatial information, amino acid conservation, physicochemical variation, residue mobility, and thermodynamic stability) performed at Invitae indicates that this missense variant is not expected to disrupt SLC12A1 protein function with a negative predictive value of 80%. In summary, the available evidence is currently insufficient to determine the role of this variant in disease. Therefore, it has been classified as a Variant of Uncertain Significance.

NM_000338.3(SLC12A1):c.487C>G (p.Gln163Glu)

Gene: SLC12A1 (solute carrier family 12 member 1; plus strand). Cytogenetic location: 15q21.1.
Variant type: single nucleotide variant.
Coding change: c.487C>G on transcript NM_000338.3 (MANE Select); coding-DNA position 487, C replaced by G.
Protein change: p.Gln163Glu; replaces glutamine 163 with glutamic acid.
Molecular consequence: missense variant.
Genome position (GRCh38, 1-based): chr15:48,220,700, C>G. VCF-style: chr15-48220700-C-G. GRCh37 (hg19) VCF-style: chr15-48512897-C-G.
Other names: c.487C>G, p.Gln163Glu (NM_001184832.2, NM_001384136.1); short protein forms Q163E.
Identifiers: ClinVar variation 2007186 (VCV002007186.4), dbSNP rs2505026161, ClinGen allele CA392303972.
Genomic context (GRCh38, chr15:48,220,700, plus strand): 5'-GCAGTCACCCCAAGTTCAGCTGACAGAGTTGCTAACGGTGATGGGATACCTGGAGATGAA[C>G]AAGCTGAAAATAAGGAAGATGATCAAGCTGGTGTTGTGAAGTTTGGATGGGTGAAAGGTG-3'
Protein context (NP_000329.2, residues 153-173): ANGDGIPGDE[Gln163Glu]AENKEDDQAG